The following is an entry in ClinVar:

ClinVar aggregate classification (germline): Uncertain significance (1 of 4 stars; one submission).

Submission:

Labcorp Genetics (formerly Invitae), Labcorp
Classification: Uncertain significance. Last evaluated: 2023-09-01. Review status: criteria provided, single submitter. Criteria: Invitae Variant Classification Sherloc (09022015). Collection method: clinical testing. Allele origin: germline.
Comment: This variant has not been reported in the literature in individuals affected with TUBB1-related conditions. This variant is not present in population databases (gnomAD no frequency). This sequence change replaces asparagine, which is neutral and polar, with lysine, which is basic and polar, at codon 14 of the TUBB1 protein (p.Asn14Lys). In summary, the available evidence is currently insufficient to determine the role of this variant in disease. Therefore, it has been classified as a Variant of Uncertain Significance. Advanced modeling of protein sequence and biophysical properties (such as structural, functional, and spatial information, amino acid conservation, physicochemical variation, residue mobility, and thermodynamic stability) performed at Invitae indicates that this missense variant is expected to disrupt TUBB1 protein function.

NM_030773.4(TUBB1):c.42C>G (p.Asn14Lys)

Gene: TUBB1 (tubulin beta 1 class VI; plus strand). Cytogenetic location: 20q13.32.
Variant type: single nucleotide variant.
Coding change: c.42C>G on transcript NM_030773.4 (MANE Select); coding-DNA position 42, C replaced by G.
Protein change: p.Asn14Lys; replaces asparagine 14 with lysine.
Molecular consequence: missense variant.
Genome position (GRCh38, 1-based): chr20:59,019,564, C>G. VCF-style: chr20-59019564-C-G. GRCh37 (hg19) VCF-style: chr20-57594619-C-G.
Other names: short protein forms N14K.
Identifiers: ClinVar variation 2757374 (VCV002757374.3), dbSNP rs1270680431, ClinGen allele CA409465753.